The following is an entry in ClinVar:

ClinVar aggregate classification (germline): Likely pathogenic (3 of 4 stars; one submission).

Conditions:
Monogenic diabetes. Identifiers: Orphanet 183625, MedGen C3888631, MONDO:0015967.

Submission:

ClinGen Monogenic Diabetes Variant Curation Expert Panel
Classification: Likely pathogenic for Monogenic diabetes. Last evaluated: 2026-01-22. Review status: reviewed by expert panel. Criteria: ClinGen Diabetes ACMG Specifications HNF1A V3.1.0. Collection method: curation. Allele origin: germline. Inheritance: Autosomal dominant inheritance.
Comment: The c.598C>G variant in the HNF1 homeobox A gene, HNF1A, causes an amino acid change of arginine to glycine at codon 200 (p.(Arg200Gly)) of NM_000545.8. This variant is absent from gnomAD v4.1.0 (PM2_Supporting). This variant is predicted to be deleterious by computational evidence, with a REVEL score of 0.787, which is greater than the MDEP VCEP threshold of 0.70 (PP3). This variant was identified in an individual with a clinical history highly specific for HNF1A-monogenic diabetes (MODY probability calculator result >50%, negative genetic testing for HNF4A, and antibody negative) (PP4_Moderate; PMID: 12627330, 16722160, 20132997). This variant segregated with diabetes, with 1 informative meiosis in a single family; however, this does not meet the thresholds for PP1 set by the ClinGen MDEP (PMID: 12627330, 16722160, 20132997). Two other missense variants at the same residue, c.598C>T (p.Arg200Trp) and c.599G>A (p.Arg200Gln), have been interpreted as pathogenic by the ClinGen MDEP (PM5_Strong). In summary, c.598C>G meets the criteria to be classified as likely pathogenic for monogenic diabetes. ACMG/AMP criteria applied, as specified by the ClinGen MDEP VCEP (specification version 3.1.0, approved 10/10/2025): PM5_Strong, PP4_Moderate, PP3, PM2_supporting.

Literature cited by the submitters: PubMed 12627330; PubMed 16722160; PubMed 20132997.

NM_000545.8(HNF1A):c.598C>G (p.Arg200Gly)

Gene: HNF1A (HNF1 homeobox A; plus strand). Cytogenetic location: 12q24.31.
Variant type: single nucleotide variant.
Coding change: c.598C>G on transcript NM_000545.8 (MANE Select); coding-DNA position 598, C replaced by G.
Protein change: p.Arg200Gly; replaces arginine 200 with glycine.
Molecular consequence: missense variant.
Genome position (GRCh38, 1-based): chr12:120,993,591, C>G. VCF-style: chr12-120993591-C-G. GRCh37 (hg19) VCF-style: chr12-121431394-C-G.
Other names: NM_001306179.2:c.598C>G; c.598C>G, p.Arg200Gly (NM_001306179.2, NM_001406915.1); short protein forms R200G.
Identifiers: ClinVar variation 4687885 (VCV004687885.1).
Genomic context (GRCh38, chr12:120,993,591, plus strand): 5'-GCAGGGCAGGGAGGGCTGATTGAAGAGCCCACAGGTGATGAGCTACCAACCAAGAAGGGG[C>G]GGAGGAACCGTTTCAAGTGGGGCCCAGCATCCCAGCAGATCCTGTTCCAGGCCTATGAGA-3'
Protein context (NP_000536.6, residues 190-210): TGDELPTKKG[Arg200Gly]RNRFKWGPAS